The following is an entry in ClinVar:

NM_138295.5(PKD1L1):c.7935C>T (p.His2645=)

Genes: PKD1L1 (polycystin 1 like 1, transient receptor potential channel interacting; minus strand), PKD1L1-AS1 (PKD1L1 antisense RNA 1; plus strand). Cytogenetic location: 7p12.3.
Variant type: single nucleotide variant.
Coding change: c.7935C>T on transcript NM_138295.5 (MANE Select); coding-DNA position 7935, C replaced by T.
Protein change: p.His2645=; no amino-acid change (histidine 2645 retained).
Molecular consequence: synonymous variant.
Genome position (GRCh38, 1-based): chr7:47,803,237, G>A on the plus strand (C>T on the coding strand, the complement: PKD1L1 is on the minus strand). VCF-style: chr7-47803237-G-A. GRCh37 (hg19) VCF-style: chr7-47842835-G-A.
Identifiers: ClinVar variation 3051206 (VCV003051206.2), dbSNP rs756185807, ClinGen allele CA4251870.

ClinVar aggregate classification (germline): Likely benign (0 of 4 stars; one submission).

Conditions:
PKD1L1-related disorder. Also called: PKD1L1-related condition.

Allele frequency attached by ClinVar (database versions not stated): gnomAD exomes below 0.00001; TOPMed below 0.00001; ExAC 0.00001; gnomAD 0.00001.
gnomAD v4.1: 7 of 1,614,022 alleles (0.00043%); highest among the groups gnomAD compares: East Asian, 0.0089%; no homozygotes.

Submission:

PreventionGenetics, part of Exact Sciences
Classification: Likely benign for PKD1L1-related condition. Last evaluated: 2022-08-25. Review status: no assertion criteria provided. Collection method: clinical testing. Allele origin: germline.
Comment: This variant is classified as likely benign based on ACMG/AMP sequence variant interpretation guidelines (Richards et al. 2015 PMID: 25741868, with internal and published modifications).